The following is an entry in ClinVar:

NM_001853.4(COL9A3):c.1693C>T (p.Pro565Ser)

Gene: COL9A3 (collagen type IX alpha 3 chain; plus strand). Cytogenetic location: 20q13.33.
Variant type: single nucleotide variant.
Coding change: c.1693C>T on transcript NM_001853.4 (MANE Select); coding-DNA position 1693, C replaced by T.
Protein change: p.Pro565Ser; replaces proline 565 with serine.
Molecular consequence: missense variant.
Genome position (GRCh38, 1-based): chr20:62,837,172, C>T. VCF-style: chr20-62837172-C-T. GRCh37 (hg19) VCF-style: chr20-61468524-C-T.
Other names: short protein forms P565S.
Identifiers: ClinVar variation 1983247 (VCV001983247.4), dbSNP rs754748822, ClinGen allele CA9950157.

ClinVar aggregate classification (germline): Uncertain significance (1 of 4 stars; one submission).

Allele frequency attached by ClinVar (database versions not stated): gnomAD 0.00001; ExAC 0.00002.
gnomAD v4.1: 32 of 1,612,238 alleles (0.002%); highest among the groups gnomAD compares: South Asian, 0.0066%; 1 homozygote.

Submission:

Labcorp Genetics (formerly Invitae), Labcorp
Classification: Uncertain significance. Last evaluated: 2025-04-16. Review status: criteria provided, single submitter. Criteria: Invitae Variant Classification Sherloc (09022015). Collection method: clinical testing. Allele origin: germline.
Comment: This sequence change replaces proline, which is neutral and non-polar, with serine, which is neutral and polar, at codon 565 of the COL9A3 protein (p.Pro565Ser). This variant is present in population databases (rs754748822, gnomAD 0.007%). This variant has not been reported in the literature in individuals affected with COL9A3-related conditions. ClinVar contains an entry for this variant (Variation ID: 1983247). Invitae Evidence Modeling of protein sequence and biophysical properties (such as structural, functional, and spatial information, amino acid conservation, physicochemical variation, residue mobility, and thermodynamic stability) indicates that this missense variant is not expected to disrupt COL9A3 protein function with a negative predictive value of 95%. In summary, the available evidence is currently insufficient to determine the role of this variant in disease. Therefore, it has been classified as a Variant of Uncertain Significance.